The following is an entry in ClinVar:

NM_203447.4(DOCK8):c.3332T>G (p.Leu1111Arg)

Gene: DOCK8 (dedicator of cytokinesis 8; plus strand). Cytogenetic location: 9p24.3.
Variant type: single nucleotide variant.
Coding change: c.3332T>G on transcript NM_203447.4 (MANE Select); coding-DNA position 3332, T replaced by G.
Protein change: p.Leu1111Arg; replaces leucine 1111 with arginine.
Molecular consequence: missense variant.
Genome position (GRCh38, 1-based): chr9:405,015, T>G. VCF-style: chr9-405015-T-G. GRCh37 (hg19) VCF-style: chr9-405015-T-G.
Other names: c.3032T>G, p.Leu1011Arg (NM_001190458.2); c.3128T>G, p.Leu1043Arg (NM_001193536.2); short protein forms L1111R, L1011R, L1043R.
Identifiers: ClinVar variation 3504565 (VCV003504565.2).

ClinVar aggregate classification (germline): Uncertain significance. Review status: criteria provided, multiple submitters, no conflicts (2 of 4 stars). 2 submissions from 2 submitters: Uncertain significance (2). Last evaluated 2025-08-11.

Conditions:
Combined immunodeficiency due to DOCK8 deficiency (HIES2). Also called: HIES autosomal recessive; Hyper-IgE recurrent infection syndrome, autosomal recessive; HYPER-IgE SYNDROME 2, AUTOSOMAL RECESSIVE, WITH RECURRENT INFECTIONS; DOCK8 Deficiency; HYPER-IgE RECURRENT INFECTION SYNDROME 2, AUTOSOMAL RECESSIVE. Identifiers: Orphanet 217390, MedGen C4722305, MONDO:0009478, OMIM 243700.
Inborn genetic diseases. Identifiers: MedGen C0950123, MeSH D030342.

Submissions (2):

Labcorp Genetics (formerly Invitae), Labcorp
Classification: Uncertain significance for Combined immunodeficiency due to DOCK8 deficiency. Last evaluated: 2025-08-11. Review status: criteria provided, single submitter. Criteria: Invitae Variant Classification Sherloc (09022015). Collection method: clinical testing. Allele origin: germline.
Comment: This sequence change replaces leucine, which is neutral and non-polar, with arginine, which is basic and polar, at codon 1111 of the DOCK8 protein (p.Leu1111Arg). This variant is not present in population databases (gnomAD no frequency). This variant has not been reported in the literature in individuals affected with DOCK8-related conditions. ClinVar contains an entry for this variant (Variation ID: 3504565). Invitae Evidence Modeling of protein sequence and biophysical properties (such as structural, functional, and spatial information, amino acid conservation, physicochemical variation, residue mobility, and thermodynamic stability) indicates that this missense variant is expected to disrupt DOCK8 protein function with a positive predictive value of 80%. In summary, the available evidence is currently insufficient to determine the role of this variant in disease. Therefore, it has been classified as a Variant of Uncertain Significance.

Ambry Genetics
Classification: Uncertain significance for Inborn genetic diseases. Last evaluated: 2024-06-28. Review status: criteria provided, single submitter. Criteria: Ambry Variant Classification Scheme 2023. Collection method: clinical testing. Allele origin: germline.